The following is an entry in ClinVar:

ClinVar aggregate classification (germline): Pathogenic/Likely pathogenic. Review status: criteria provided, multiple submitters, no conflicts (2 of 4 stars). 3 submissions from 3 submitters: Pathogenic (1); Likely pathogenic (2). Last evaluated 2024-12-08.

Conditions:
Retinitis pigmentosa 12 (RP12). Also called: RP WITH OR WITHOUT PPRPE; RP WITH OR WITHOUT PRESERVED PARAARTERIOLE RETINAL PIGMENT EPITHELIUM; RETINITIS PIGMENTOSA WITH OR WITHOUT PARAARTERIOLAR PRESERVATION OF RETINAL PIGMENT EPITHELIUM. Identifiers: Orphanet 791, MedGen C1838647, MONDO:0010818, OMIM 600105.
Leber congenital amaurosis 8 (LCA8). Identifiers: Orphanet 65, MedGen C3151202, MONDO:0013453, OMIM 613835.
Pigmented paravenous retinochoroidal atrophy. Identifiers: Orphanet 251295, MedGen C1868310, MONDO:0008246, OMIM 172870.

Submissions (3):

Labcorp Genetics (formerly Invitae), Labcorp
Classification: Pathogenic for Leber congenital amaurosis 8; Retinitis pigmentosa 12. Last evaluated: 2024-12-08. Review status: criteria provided, single submitter. Criteria: Invitae Variant Classification Sherloc (09022015). Collection method: clinical testing. Allele origin: germline.
Comment: This sequence change creates a premature translational stop signal (p.Asp148Thrfs*57) in the CRB1 gene. It is expected to result in an absent or disrupted protein product. Loss-of-function variants in CRB1 are known to be pathogenic (PMID: 10508521, 22065545, 23379534, 25412400, 26957898, 28041643, 29391521). This variant is not present in population databases (gnomAD no frequency). This variant has not been reported in the literature in individuals affected with CRB1-related conditions. For these reasons, this variant has been classified as Pathogenic.

Fulgent Genetics
Classification: Likely pathogenic for Pigmented paravenous retinochoroidal atrophy; Retinitis pigmentosa 12; Leber congenital amaurosis 8. Last evaluated: 2024-04-24. Review status: criteria provided, single submitter. Criteria: ACMG Guidelines, 2015. Collection method: clinical testing. Allele origin: germline.

Baylor Genetics
Classification: Likely pathogenic for Leber congenital amaurosis 8. Last evaluated: 2023-10-16. Review status: criteria provided, single submitter. Criteria: ACMG Guidelines, 2015. Collection method: clinical testing. Allele origin: unknown.

Literature cited by the submitters: PubMed 10508521 (cited by Labcorp Genetics (formerly Invitae), Labcorp); PubMed 22065545 (cited by Labcorp Genetics (formerly Invitae), Labcorp); PubMed 23379534 (cited by Labcorp Genetics (formerly Invitae), Labcorp); PubMed 25412400 (cited by Labcorp Genetics (formerly Invitae), Labcorp); PubMed 26957898 (cited by Labcorp Genetics (formerly Invitae), Labcorp); PubMed 28041643 (cited by Labcorp Genetics (formerly Invitae), Labcorp); PubMed 29391521 (cited by Labcorp Genetics (formerly Invitae), Labcorp).

NM_201253.3(CRB1):c.441_444del (p.Asp148fs)

Gene: CRB1 (crumbs cell polarity complex component 1; plus strand). Cytogenetic location: 1q31.3.
Variant type: Microsatellite.
Coding change: c.441_444del on transcript NM_201253.3 (MANE Select); coding-DNA positions 441 to 444, 4 bases deleted (AGAT; older notation c.441_444delAGAT).
Protein change: p.Asp148fs; shifts the reading frame from aspartic acid 148.
Molecular consequence: frameshift variant. On other transcripts: non-coding transcript variant (2).
Genome position (GRCh38, 1-based): chr1:197,328,792-197,328,795, AGAT deleted; deleting any 4 consecutive bases within chr1:197,328,788-197,328,795 gives the same sequence; the c. name uses the placement nearest the transcript's 3' end. VCF-style (leftmost placement, unchanged base first): chr1-197328787-GAGAT-G. GRCh37 (hg19) VCF-style: chr1-197297917-GAGAT-G.
Other names: c.441_444del, p.Asp148fs (NM_001193640.2, NM_001257966.2); c.234_237del, p.Asp79fs (NM_001257965.2); short protein forms D79fs, D148fs.
Identifiers: ClinVar variation 662920 (VCV000662920.8), dbSNP rs1571848688, ClinGen allele CA915941955.